The following is an entry in ClinVar:

ClinVar aggregate classification (germline): Uncertain significance. Review status: criteria provided, multiple submitters, no conflicts (2 of 4 stars). 3 submissions from 3 submitters: Uncertain significance (3). Last evaluated 2026-02-01.

Conditions:
Ullrich congenital muscular dystrophy 2 (UCMD2). Identifiers: Orphanet 75840, MedGen C4225314, MONDO:0014654, OMIM 616470.
Bethlem myopathy 2 (BTHLM2). Identifiers: Orphanet 536516, Orphanet 610, MedGen C4225313, MONDO:0034022, OMIM 616471.
Inborn genetic diseases. Identifiers: MedGen C0950123, MeSH D030342.

Allele frequency attached by ClinVar (database versions not stated): TOPMed below 0.00001; gnomAD 0.00001.
gnomAD v4.1: 2 of 1,605,458 alleles (0.00012%); highest among the groups gnomAD compares: Admixed American, 0.0034%; no homozygotes.

Submissions (3):

CeGaT Center for Human Genetics Tuebingen
Classification: Uncertain significance. Last evaluated: 2026-02-01. Review status: criteria provided, single submitter. Criteria: CeGaT Center For Human Genetics Tuebingen Variant Classification Criteria Version 2. Collection method: clinical testing. Allele origin: germline. Affected: yes. Observed: 1 variant allele.
Comment: COL12A1: PM2

Ambry Genetics
Classification: Uncertain significance for Inborn genetic diseases. Last evaluated: 2025-06-16. Review status: criteria provided, single submitter. Criteria: Ambry Variant Classification Scheme 2023. Collection method: clinical testing. Allele origin: germline.

Labcorp Genetics (formerly Invitae), Labcorp
Classification: Uncertain significance for Bethlem myopathy 2; Ullrich congenital muscular dystrophy 2. Last evaluated: 2024-04-29. Review status: criteria provided, single submitter. Criteria: Invitae Variant Classification Sherloc (09022015). Collection method: clinical testing. Allele origin: germline.
Comment: This sequence change replaces proline, which is neutral and non-polar, with leucine, which is neutral and non-polar, at codon 2304 of the COL12A1 protein (p.Pro2304Leu). The frequency data for this variant in the population databases is considered unreliable, as metrics indicate poor data quality at this position in the gnomAD database. This variant has not been reported in the literature in individuals affected with COL12A1-related conditions. Advanced modeling of protein sequence and biophysical properties (such as structural, functional, and spatial information, amino acid conservation, physicochemical variation, residue mobility, and thermodynamic stability) performed at Invitae indicates that this missense variant is not expected to disrupt COL12A1 protein function with a negative predictive value of 80%. In summary, the available evidence is currently insufficient to determine the role of this variant in disease. Therefore, it has been classified as a Variant of Uncertain Significance.

NM_004370.6(COL12A1):c.6911C>T (p.Pro2304Leu)

Gene: COL12A1 (collagen type XII alpha 1 chain; minus strand). Cytogenetic location: 6q13.
Variant type: single nucleotide variant.
Coding change: c.6911C>T on transcript NM_004370.6 (MANE Select); coding-DNA position 6911, C replaced by T.
Protein change: p.Pro2304Leu; replaces proline 2304 with leucine.
Molecular consequence: missense variant.
Genome position (GRCh38, 1-based): chr6:75,123,365, G>A on the plus strand (C>T on the coding strand, the complement: COL12A1 is on the minus strand). VCF-style: chr6-75123365-G-A. GRCh37 (hg19) VCF-style: chr6-75833081-G-A.
Other names: c.6911C>T, p.Pro2304Leu (NM_001424113.1); c.6890C>T, p.Pro2297Leu (NM_001424114.1); c.6638C>T, p.Pro2213Leu (NM_001424115.1); c.3419C>T, p.Pro1140Leu (NM_001424116.1, NM_080645.3); c.6911C>T (NM_004370.5); short protein forms P2213L, P1140L, P2297L, P2304L.
Identifiers: ClinVar variation 2923471 (VCV002923471.8), dbSNP rs1329637236, ClinGen allele CA364728097.